The following is an entry in ClinVar:

ClinVar aggregate classification (germline): Uncertain significance (1 of 4 stars; one submission).

Conditions:
Combined oxidative phosphorylation defect type 17. Also called: Combined oxidative phosphorylation deficiency 17. Identifiers: Orphanet 369913, MedGen C3809526, MONDO:0014190, OMIM 615440.

Submission:

Labcorp Genetics (formerly Invitae), Labcorp
Classification: Uncertain significance for Combined oxidative phosphorylation defect type 17. Last evaluated: 2021-10-04. Review status: criteria provided, single submitter. Criteria: Invitae Variant Classification Sherloc (09022015). Collection method: clinical testing. Allele origin: germline.
Comment: This sequence change replaces histidine with leucine at codon 647 of the ELAC2 protein (p.His647Leu). The histidine residue is moderately conserved and there is a moderate physicochemical difference between histidine and leucine. This variant is not present in population databases (ExAC no frequency). This variant has not been reported in the literature in individuals affected with ELAC2-related conditions. Algorithms developed to predict the effect of missense changes on protein structure and function (SIFT, PolyPhen-2, Align-GVGD) all suggest that this variant is likely to be tolerated. In summary, the available evidence is currently insufficient to determine the role of this variant in disease. Therefore, it has been classified as a Variant of Uncertain Significance.

NM_018127.7(ELAC2):c.1940A>T (p.His647Leu)

Gene: ELAC2 (elaC ribonuclease Z 2; minus strand). Cytogenetic location: 17p12.
Variant type: single nucleotide variant.
Coding change: c.1940A>T on transcript NM_018127.7 (MANE Select); coding-DNA position 1940, A replaced by T.
Protein change: p.His647Leu; replaces histidine 647 with leucine.
Molecular consequence: missense variant.
Genome position (GRCh38, 1-based): chr17:12,994,853, T>A on the plus strand (A>T on the coding strand, the complement: ELAC2 is on the minus strand). VCF-style: chr17-12994853-T-A. GRCh37 (hg19) VCF-style: chr17-12898170-T-A.
Other names: c.1820A>T, p.His607Leu (NM_001165962.2); c.1937A>T, p.His646Leu (NM_173717.2); short protein forms H607L, H646L, H647L.
Identifiers: ClinVar variation 1448033 (VCV001448033.6), dbSNP rs1343793177, ClinGen allele CA398223175.